The following is an entry in ClinVar:

NM_000264.5(PTCH1):c.547del (p.Leu183fs)

Gene: PTCH1 (patched 1; minus strand). Cytogenetic location: 9q22.32.
Variant type: Deletion.
Coding change: c.547del on transcript NM_000264.5 (MANE Select); coding-DNA position 547, one base deleted (C; older notation c.547delC).
Protein change: p.Leu183fs; shifts the reading frame from leucine 183.
Molecular consequence: frameshift variant. On other transcripts: non-coding transcript variant (1).
Genome position (GRCh38, 1-based): chr9:95,485,722, G deleted on the plus strand (C on the coding strand, the reverse complement: PTCH1 is on the minus strand). VCF-style (leftmost placement, unchanged base first): chr9-95485721-AG-A. GRCh37 (hg19) VCF-style: chr9-98248003-AG-A.
Other names: c.349del, p.Leu117fs (NM_001083602.3, NM_001354919.2); c.544del, p.Leu182fs (NM_001083603.3); c.94del, p.Leu32fs (NM_001083604.3, NM_001083605.3, NM_001083606.3 and 1 more transcripts); c.547del, p.Leu183fs (NM_001354918.2); short protein forms L182fs, L117fs, L183fs, L32fs.
Identifiers: ClinVar variation 4714191 (VCV004714191.1).
Genomic context (GRCh38, chr9:95,485,721, plus strand): 5'-GTAGGTGGACGCGGCGGGCCTTACCTGTTGTACATGTATACATGGACACGGCTGGCCTGG[AG>A]TGCCGAGTCCAGGTGTTGTAGGAGCGCTTCTGTGGTCAGGACATTAGCACCTTCTTCTTT-3'

ClinVar aggregate classification (germline): Pathogenic (1 of 4 stars; one submission).

Conditions:
Gorlin syndrome. Also called: Nevoid Basal Cell Carcinoma Syndrome; Basal cell nevus syndrome. Identifiers: Orphanet 377, MedGen C0004779, MONDO:0007187.

Submission:

Labcorp Genetics (formerly Invitae), Labcorp
Classification: Pathogenic for Gorlin syndrome. Last evaluated: 2025-03-04. Review status: criteria provided, single submitter. Criteria: Invitae Variant Classification Sherloc (09022015). Collection method: clinical testing. Allele origin: germline.
Comment: This sequence change creates a premature translational stop signal (p.Leu183Serfs*37) in the PTCH1 gene. It is expected to result in an absent or disrupted protein product. Loss-of-function variants in PTCH1 are known to be pathogenic (PMID: 16301862, 16419085). This variant is not present in population databases (gnomAD no frequency). This variant has not been reported in the literature in individuals affected with PTCH1-related conditions. For these reasons, this variant has been classified as Pathogenic.

Literature cited by the submitters: PubMed 16301862; PubMed 16419085.